The following is an entry in ClinVar:

NM_001853.4(COL9A3):c.846+1G>A

Gene: COL9A3 (collagen type IX alpha 3 chain; plus strand). Cytogenetic location: 20q13.33.
Variant type: single nucleotide variant.
Coding change: c.846+1G>A on transcript NM_001853.4 (MANE Select); the canonical splice donor site of the intron after coding-DNA position 846, G replaced by A.
Molecular consequence: splice donor variant.
Genome position (GRCh38, 1-based): chr20:62,827,295, G>A. VCF-style: chr20-62827295-G-A. GRCh37 (hg19) VCF-style: chr20-61458647-G-A.
Identifiers: ClinVar variation 2039295 (VCV002039295.5), dbSNP rs752954370, ClinGen allele CA9949540.
Genomic context (GRCh38, chr20:62,827,295, plus strand): 5'-TTCCAGGGTGACCGAGGCGAGAGGGGCCCAGAAGGGTTCCGCGGCCCCAAGGGTGACCTC[G>A]TAAGTGAGAGGGAAGTTGGTTCCCTGGGTCCTTATGTGGAAGAACCCAATTTCCCTCCTG-3'

ClinVar aggregate classification (germline): Uncertain significance (1 of 4 stars; one submission).

Allele frequency attached by ClinVar (database versions not stated): gnomAD 0.00001; gnomAD exomes 0.00001; ExAC 0.00002; TOPMed 0.00003.
gnomAD v4.1: 10 of 1,612,892 alleles (0.00062%); highest among the groups gnomAD compares: African/African-American, 0.004%; no homozygotes.

Submissions (3):

Labcorp Genetics (formerly Invitae), Labcorp
Classification: Uncertain significance. Last evaluated: 2022-07-12. Review status: criteria provided, single submitter. Criteria: Invitae Variant Classification Sherloc (09022015). Collection method: clinical testing. Allele origin: germline.
Comment: In summary, the available evidence is currently insufficient to determine the role of this variant in disease. Therefore, it has been classified as a Variant of Uncertain Significance. Algorithms developed to predict the effect of sequence changes on RNA splicing suggest that this variant may disrupt the consensus splice site. This variant has not been reported in the literature in individuals affected with COL9A3-related conditions. This variant is present in population databases (rs752954370, gnomAD 0.007%). This sequence change affects a donor splice site in intron 16 of the COL9A3 gene. It is expected to disrupt RNA splicing. Variants that disrupt the donor or acceptor splice site typically lead to a loss of protein function (PMID: 16199547), however the current clinical and genetic evidence is not sufficient to establish whether loss-of-function variants in COL9A3 cause disease.

Dr. Peter K. Rogan Lab, Western University
No classification provided (evidence only). Condition: Uterine corpus endometrial carcinoma. Review status: no classification provided. Collection method: in vitro. Allele origin: not applicable. Functional consequence: retained intron. Not counted in ClinVar's aggregate classification.

Dr. Peter K. Rogan Lab, Western University
No classification provided (evidence only). Condition: Glioma susceptibility 1. Review status: no classification provided. Collection method: in vitro. Allele origin: not applicable. Functional consequence: skipped exon, retained intron. Not counted in ClinVar's aggregate classification.

Literature cited by the submitters: PubMed 16199547 (cited by Labcorp Genetics (formerly Invitae), Labcorp).